The following is an entry in ClinVar:

ClinVar aggregate classification (germline): Uncertain significance. Review status: criteria provided, multiple submitters, no conflicts (2 of 4 stars). 2 submissions from 2 submitters: Uncertain significance (2). Last evaluated 2025-09-01.

Conditions:
Epilepsy, familial adult myoclonic, 5 (EPEO5). Also called: CORTICAL MYOCLONIC TREMOR WITH EPILEPSY, FAMILIAL, 5. Identifiers: Orphanet 86814, MedGen C3809374, MONDO:0014167, OMIM 615400.

Allele frequency attached by ClinVar (database versions not stated): ESP Exome Variant Server 0.00008; gnomAD exomes 0.00009; TOPMed 0.00009; ExAC 0.00011; gnomAD 0.00019 and 0.00020.
gnomAD v4.1: 143 of 1,457,688 alleles (0.0098%); highest among the groups gnomAD compares: African/African-American, 0.019%; no homozygotes.

Submissions (2):

Ambry Genetics
Classification: Uncertain significance. Last evaluated: 2025-09-01. Review status: criteria provided, single submitter. Criteria: Ambry Variant Classification Scheme 2023. Collection method: clinical testing. Allele origin: germline.

Labcorp Genetics (formerly Invitae), Labcorp
Classification: Uncertain significance for Epilepsy, familial adult myoclonic, 5. Last evaluated: 2022-08-16. Review status: criteria provided, single submitter. Criteria: Invitae Variant Classification Sherloc (09022015). Collection method: clinical testing. Allele origin: germline.
Comment: This sequence change replaces isoleucine, which is neutral and non-polar, with threonine, which is neutral and polar, at codon 569 of the CNTN2 protein (p.Ile569Thr). This variant is present in population databases (rs372229713, gnomAD 0.03%). This variant has not been reported in the literature in individuals affected with CNTN2-related conditions. ClinVar contains an entry for this variant (Variation ID: 953750). Advanced modeling of protein sequence and biophysical properties (such as structural, functional, and spatial information, amino acid conservation, physicochemical variation, residue mobility, and thermodynamic stability) performed at Invitae indicates that this missense variant is not expected to disrupt CNTN2 protein function. In summary, the available evidence is currently insufficient to determine the role of this variant in disease. Therefore, it has been classified as a Variant of Uncertain Significance.

NM_005076.5(CNTN2):c.1706T>C (p.Ile569Thr)

Gene: CNTN2 (contactin 2; plus strand). Cytogenetic location: 1q32.1.
Variant type: single nucleotide variant.
Coding change: c.1706T>C on transcript NM_005076.5 (MANE Select); coding-DNA position 1706, T replaced by C.
Protein change: p.Ile569Thr; replaces isoleucine 569 with threonine.
Molecular consequence: missense variant. On other transcripts: non-coding transcript variant (1).
Genome position (GRCh38, 1-based): chr1:205,065,799, T>C. VCF-style: chr1-205065799-T-C. GRCh37 (hg19) VCF-style: chr1-205034927-T-C.
Other names: c.1706T>C, p.Ile569Thr (NM_001346083.2); short protein forms I569T.
Identifiers: ClinVar variation 953750 (VCV000953750.8), dbSNP rs372229713, ClinGen allele CA1351476.